The following is an entry in ClinVar:

NM_018975.4(TERF2IP):c.332C>T (p.Ser111Leu)

Gene: TERF2IP (TERF2 interacting protein; plus strand). Cytogenetic location: 16q23.1.
Variant type: single nucleotide variant.
Coding change: c.332C>T on transcript NM_018975.4 (MANE Select); coding-DNA position 332, C replaced by T.
Protein change: p.Ser111Leu; replaces serine 111 with leucine.
Molecular consequence: missense variant. On other transcripts: non-coding transcript variant (1).
Genome position (GRCh38, 1-based): chr16:75,648,214, C>T. VCF-style: chr16-75648214-C-T. GRCh37 (hg19) VCF-style: chr16-75682112-C-T.
Other names: short protein forms S111L.
Identifiers: ClinVar variation 1730288 (VCV001730288.3), dbSNP rs764637619, ClinGen allele CA284334395.

ClinVar aggregate classification (germline): Uncertain significance (1 of 4 stars; one submission).

Allele frequency attached by ClinVar (database versions not stated): TOPMed 0.00002.
gnomAD v4.1: 6 of 1,546,460 alleles (0.00039%); highest among the groups gnomAD compares: East Asian, 0.0071%; no homozygotes.

Submission:

Ambry Genetics
Classification: Uncertain significance. Last evaluated: 2024-06-18. Review status: criteria provided, single submitter. Criteria: Ambry Variant Classification Scheme 2023. Collection method: clinical testing. Allele origin: germline.
Comment: The p.S111L variant (also known as c.332C>T), located in coding exon 1 of the TERF2IP gene, results from a C to T substitution at nucleotide position 332. The serine at codon 111 is replaced by leucine, an amino acid with dissimilar properties. This amino acid position is conserved. In addition, this alteration is predicted to be tolerated by in silico analysis. Since supporting evidence is limited at this time, the clinical significance of this alteration remains unclear.